The following is an entry in ClinVar:

ClinVar aggregate classification (germline): Pathogenic/Likely pathogenic. Review status: criteria provided, multiple submitters, no conflicts (2 of 4 stars). 2 submissions from 2 submitters: Pathogenic (1); Likely pathogenic (1). Last evaluated 2024-10-30.

Conditions:
Amyloidosis, hereditary systemic 1 (AMYLD1). Also called: Hereditary oculoleptomeningeal amyloid angiopathy; Familial Transthyretin Amyloidosis; AMYLOID CARDIOMYOPATHY; Familial amyloid polyneuropathy; Transthyretin Amyloidosis; Hereditary Transthyretin Amyloidosis. Identifiers: Orphanet 85447, Orphanet 85451, MedGen C2751492, MONDO:0971004, OMIM 105210.

gnomAD v4.1: 1 of 1,614,070 alleles (0.000062%); highest among the groups gnomAD compares: Non-Finnish European, 0.000085%; no homozygotes.

Submissions (2):

Labcorp Genetics (formerly Invitae), Labcorp
Classification: Pathogenic for Amyloidosis, hereditary systemic 1. Last evaluated: 2024-10-30. Review status: criteria provided, single submitter. Criteria: Invitae Variant Classification Sherloc (09022015). Collection method: clinical testing. Allele origin: germline.
Comment: This sequence change replaces lysine, which is basic and polar, with asparagine, which is neutral and polar, at codon 55 of the TTR protein (p.Lys55Asn). This variant is not present in population databases (gnomAD no frequency). This missense change has been observed in individual(s) with clinical features of hereditary transthyretin-mediated amyloidosis (hATTR amyloidosis) (PMID: 16076613, 17028027, 19467548). This variant is also known as Lys35Asn. ClinVar contains an entry for this variant (Variation ID: 576496). Invitae Evidence Modeling of protein sequence and biophysical properties (such as structural, functional, and spatial information, amino acid conservation, physicochemical variation, residue mobility, and thermodynamic stability) indicates that this missense variant is expected to disrupt TTR protein function with a positive predictive value of 95%. This variant disrupts the p.Lys55 amino acid residue in TTR. Other variant(s) that disrupt this residue have been observed in individuals with TTR-related conditions (PMID: 21843040; internal data), which suggests that this may be a clinically significant amino acid residue. For these reasons, this variant has been classified as Pathogenic.

Athena Diagnostics
Classification: Likely pathogenic. Last evaluated: 2018-08-03. Review status: criteria provided, single submitter. Criteria: Athena Diagnostics Criteria. Collection method: clinical testing. Allele origin: germline.

Literature cited by the submitters: PubMed 16076613 (cited by Labcorp Genetics (formerly Invitae), Labcorp and Athena Diagnostics); PubMed 17028027 (cited by Labcorp Genetics (formerly Invitae), Labcorp and Athena Diagnostics); PubMed 19467548 (cited by Labcorp Genetics (formerly Invitae), Labcorp and Athena Diagnostics); PubMed 21843040 (cited by Labcorp Genetics (formerly Invitae), Labcorp); PubMed 7655883 (cited by Athena Diagnostics); PubMed 25644864 (cited by Athena Diagnostics); PubMed 9748014 (cited by Athena Diagnostics); PubMed 26342004 (cited by Athena Diagnostics); PubMed 14627687 (cited by Athena Diagnostics); PubMed 18074076 (cited by Athena Diagnostics); PubMed 16399646 (cited by Athena Diagnostics); PubMed 16448460 (cited by Athena Diagnostics).

NM_000371.4(TTR):c.165G>T (p.Lys55Asn)

Gene: TTR (transthyretin; plus strand). Cytogenetic location: 18q12.1.
Variant type: single nucleotide variant.
Coding change: c.165G>T on transcript NM_000371.4 (MANE Select); coding-DNA position 165, G replaced by T.
Protein change: p.Lys55Asn; replaces lysine 55 with asparagine.
Molecular consequence: missense variant.
Genome position (GRCh38, 1-based): chr18:31,592,991, G>T. VCF-style: chr18-31592991-G-T. GRCh37 (hg19) VCF-style: chr18-29172954-G-T.
Other names: short protein forms K55N.
Identifiers: ClinVar variation 576496 (VCV000576496.9), dbSNP rs1567945684, ClinGen allele CA402156814.